The following is an entry in ClinVar:

NM_006231.4(POLE):c.1559A>T (p.Gln520Leu)

Gene: POLE (DNA polymerase epsilon, catalytic subunit; minus strand). Cytogenetic location: 12q24.33.
Variant type: single nucleotide variant.
Coding change: c.1559A>T on transcript NM_006231.4 (MANE Select); coding-DNA position 1559, A replaced by T.
Protein change: p.Gln520Leu; replaces glutamine 520 with leucine.
Molecular consequence: missense variant.
Genome position (GRCh38, 1-based): chr12:132,672,754, T>A on the plus strand (A>T on the coding strand, the complement: POLE is on the minus strand). VCF-style: chr12-132672754-T-A. GRCh37 (hg19) VCF-style: chr12-133249340-T-A.
Other names: short protein forms Q520L.
Identifiers: ClinVar variation 3225395 (VCV003225395.1), dbSNP rs780865223, ClinGen allele CA387357119.
Genomic context (GRCh38, chr12:132,672,754, plus strand): 5'-ACGTAGGTCTCAGAGTCCAGCACGTGTCCGTCGTCCGTCAGCTTATTGAACTCCTGCTCT[T>A]GCTTGTTGGGGAAGATGATGTTGGCGTGGAAGGCCTGCACCATCAGCAAGGCCTCACACA-3'
Protein context (NP_006222.2, residues 510-530): FHANIIFPNK[Gln520Leu]EQEFNKLTDD

ClinVar aggregate classification (germline): Uncertain significance (1 of 4 stars; one submission).

Conditions:
Hereditary cancer-predisposing syndrome. Also called: Neoplastic Syndromes, Hereditary; Tumor predisposition; Hereditary neoplastic syndrome; Hereditary Cancer Syndrome. Identifiers: Orphanet 140162, MedGen C0027672, MeSH D009386, MONDO:0015356.

Submission:

Ambry Genetics
Classification: Uncertain significance for Hereditary cancer-predisposing syndrome. Last evaluated: 2023-10-20. Review status: criteria provided, single submitter. Criteria: Ambry Variant Classification Scheme 2023. Collection method: clinical testing. Allele origin: germline.
Comment: The p.Q520L variant (also known as c.1559A>T), located in coding exon 15 of the POLE gene, results from an A to T substitution at nucleotide position 1559. The glutamine at codon 520 is replaced by leucine, an amino acid with dissimilar properties. This amino acid position is conserved. In addition, the in silico prediction for this alteration is inconclusive. Since supporting evidence is limited at this time, the clinical significance of this alteration remains unclear.